The following is an entry in ClinVar:

NM_020433.5(JPH2):c.1498G>T (p.Gly500Trp)

Gene: JPH2 (junctophilin 2; minus strand). Cytogenetic location: 20q13.12.
Variant type: single nucleotide variant.
Coding change: c.1498G>T on transcript NM_020433.5 (MANE Select); coding-DNA position 1498, G replaced by T.
Protein change: p.Gly500Trp; replaces glycine 500 with tryptophan.
Molecular consequence: missense variant.
Genome position (GRCh38, 1-based): chr20:44,116,177, C>A on the plus strand (G>T on the coding strand, the complement: JPH2 is on the minus strand). VCF-style: chr20-44116177-C-A. GRCh37 (hg19) VCF-style: chr20-42744817-C-A.
Other names: short protein forms G500W.
Identifiers: ClinVar variation 4737194 (VCV004737194.1).

ClinVar aggregate classification (germline): Uncertain significance (1 of 4 stars; one submission).

Conditions:
Hypertrophic cardiomyopathy. Also called: HYPERTROPHIC MYOCARDIOPATHY. Identifiers: Orphanet 217569, MedGen C0007194, MeSH D002312, MONDO:0005045, HP:0001639.

gnomAD v4.1: 1 of 1,391,566 alleles (0.000072%); highest among the groups gnomAD compares: Non-Finnish European, 0.000092%; no homozygotes.

Submission:

Labcorp Genetics (formerly Invitae), Labcorp
Classification: Uncertain significance for Hypertrophic cardiomyopathy. Last evaluated: 2025-07-27. Review status: criteria provided, single submitter. Criteria: Invitae Variant Classification Sherloc (09022015). Collection method: clinical testing. Allele origin: germline.
Comment: This sequence change replaces glycine, which is neutral and non-polar, with tryptophan, which is neutral and slightly polar, at codon 500 of the JPH2 protein (p.Gly500Trp). This variant is not present in population databases (gnomAD no frequency). This variant has not been reported in the literature in individuals affected with JPH2-related conditions. An algorithm developed to predict the effect of missense changes on protein structure and function (PolyPhen-2) suggests that this variant is likely to be disruptive. In summary, the available evidence is currently insufficient to determine the role of this variant in disease. Therefore, it has been classified as a Variant of Uncertain Significance.